The following is an entry in ClinVar:

NM_006312.6(NCOR2):c.5748C>T (p.Cys1916=)

Gene: NCOR2 (nuclear receptor corepressor 2; minus strand). Cytogenetic location: 12q24.31.
Variant type: single nucleotide variant.
Coding change: c.5748C>T on transcript NM_006312.6 (MANE Select); coding-DNA position 5748, C replaced by T.
Protein change: p.Cys1916=; no amino-acid change (cysteine 1916 retained).
Molecular consequence: synonymous variant.
Genome position (GRCh38, 1-based): chr12:124,337,120, G>A on the plus strand (C>T on the coding strand, the complement: NCOR2 is on the minus strand). VCF-style: chr12-124337120-G-A. GRCh37 (hg19) VCF-style: chr12-124821666-G-A.
Other names: c.5718C>T, p.Cys1906= (NM_001077261.4, NM_001206654.2).
Identifiers: ClinVar variation 3055510 (VCV003055510.2), dbSNP rs61751354, ClinGen allele CA6867758.

ClinVar aggregate classification (germline): Benign (0 of 4 stars; one submission).

Conditions:
NCOR2-related disorder. Also called: NCOR2-related condition.

Allele frequency attached by ClinVar (database versions not stated): gnomAD exomes 0.01666; ESP Exome Variant Server 0.02098; 1000 Genomes Project 30x 0.02217; 1000 Genomes Project 0.02236; gnomAD 0.02462; TOPMed 0.02552; ExAC 0.02940.
gnomAD v4.1: 26,540 of 1,510,998 alleles (1.8%); highest among the groups gnomAD compares: African/African-American, 4.9%; 328 homozygotes.

Submission:

PreventionGenetics, part of Exact Sciences
Classification: Benign for NCOR2-related condition. Last evaluated: 2019-10-30. Review status: no assertion criteria provided. Collection method: clinical testing. Allele origin: germline.
Comment: This variant is classified as benign based on ACMG/AMP sequence variant interpretation guidelines (Richards et al. 2015 PMID: 25741868, with internal and published modifications).